The following is an entry in ClinVar:

ClinVar aggregate classification (germline): Pathogenic. Review status: criteria provided, multiple submitters, no conflicts (2 of 4 stars). 2 submissions from 2 submitters: Pathogenic (2). Last evaluated 2022-08-16.

Conditions:
CACNA1F-related disorder. Also called: CACNA1F-related condition.

gnomAD v4.1: 1 of 1,111,440 alleles (0.00009%); highest among the groups gnomAD compares: Non-Finnish European, 0.00012%; no homozygotes.

Submissions (2):

Labcorp Genetics (formerly Invitae), Labcorp
Classification: Pathogenic. Last evaluated: 2022-08-16. Review status: criteria provided, single submitter. Criteria: Invitae Variant Classification Sherloc (09022015). Collection method: clinical testing. Allele origin: germline.
Comment: This premature translational stop signal has been observed in individual(s) with incomplete congenital stationary night blindness (PMID: 30825406). This sequence change creates a premature translational stop signal (p.Glu817*) in the CACNA1F gene. It is expected to result in an absent or disrupted protein product. Loss-of-function variants in CACNA1F are known to be pathogenic (PMID: 9662399, 11281458, 17525176, 22194652, 24124559, 26992781). This variant is not present in population databases (gnomAD no frequency). ClinVar contains an entry for this variant (Variation ID: 1458775). For these reasons, this variant has been classified as Pathogenic.

Blueprint Genetics
Classification: Pathogenic for CACNA1F-related disorders. Last evaluated: 2020-08-30. Review status: criteria provided, single submitter. Criteria: ACMG Guidelines, 2015. Collection method: clinical testing. Allele origin: germline. Affected: yes. Observed: 1 variant allele.

Literature cited by the submitters: PubMed 30825406 (cited by Labcorp Genetics (formerly Invitae), Labcorp); PubMed 9662399 (cited by Labcorp Genetics (formerly Invitae), Labcorp); PubMed 11281458 (cited by Labcorp Genetics (formerly Invitae), Labcorp); PubMed 17525176 (cited by Labcorp Genetics (formerly Invitae), Labcorp); PubMed 22194652 (cited by Labcorp Genetics (formerly Invitae), Labcorp); PubMed 24124559 (cited by Labcorp Genetics (formerly Invitae), Labcorp); PubMed 26992781 (cited by Labcorp Genetics (formerly Invitae), Labcorp).

NM_001256789.3(CACNA1F):c.2416G>T (p.Glu806Ter)

Gene: CACNA1F (calcium voltage-gated channel subunit alpha1 F; minus strand). Cytogenetic location: Xp11.23.
Variant type: single nucleotide variant.
Coding change: c.2416G>T on transcript NM_001256789.3 (MANE Select); coding-DNA position 2416, G replaced by T.
Protein change: p.Glu806Ter; replaces glutamic acid 806 with a stop codon.
Molecular consequence: nonsense.
Genome position (GRCh38, 1-based): chrX:49,219,761, C>A on the plus strand (G>T on the coding strand, the complement: CACNA1F is on the minus strand). VCF-style: chrX-49219761-C-A. GRCh37 (hg19) VCF-style: chrX-49076220-C-A.
Other names: c.2254G>T, p.Glu752Ter (NM_001256790.3); c.2449G>T, p.Glu817Ter (NM_005183.4); short protein forms E752*, E817*, E806*.
Identifiers: ClinVar variation 1458775 (VCV001458775.10), dbSNP rs2147910339, ClinGen allele CA412965745.